The following is an entry in ClinVar:

ClinVar aggregate classification (germline): Likely pathogenic (1 of 4 stars; one submission).

Conditions:
CFTR-related disorder (CFTR-RD). Also called: CFTR-related disorders; CFTR-related condition. Identifiers: MedGen C5924204, MONDO:7770004.

Submission:

Natera, Inc.
Classification: Likely pathogenic for CFTR-related disorders. Last evaluated: 2025-05-13. Review status: criteria provided, single submitter. Criteria: Natera Variant Classification Schema (03/2026). Collection method: clinical testing. Allele origin: germline.
Comment: The c.2807_2812delinsAC variant in CFTR is a frameshift variant predicted to shift the reading frame beginning at codon 936 and leads to a stop codon 5 codons downstream. This variant is expected to result in nonsense mediated decay, truncation, or a dysfunctional protein product. This variant is rare in the general population with a frequency below the threshold expected for the associated phenotype(s). Given the available evidence, this variant is classified as Likely Pathogenic.

NM_000492.4(CFTR):c.2807_2812delinsAC (p.Pro936fs)

Gene: CFTR (CF transmembrane conductance regulator; plus strand). Cytogenetic location: 7q31.2.
Variant type: Indel.
Coding change: c.2807_2812delinsAC on transcript NM_000492.4 (MANE Select); coding-DNA positions 2807 to 2812, CACTGG replaced by AC.
Protein change: p.Pro936fs; shifts the reading frame from proline 936.
Molecular consequence: frameshift variant.
Genome position (GRCh38, 1-based): chr7:117,603,681-117,603,686, CACTGG replaced by AC. VCF-style: chr7-117603681-CACTGG-AC. GRCh37 (hg19) VCF-style: chr7-117243735-CACTGG-AC.
Other names: c.2807_2812delCACTGGinsAC, p.Pro936Hisfs (NM_000492.3); short protein forms P936fs.
Identifiers: ClinVar variation 4818518 (VCV004818518.1).
Genomic context (GRCh38, chr7:117,603,681, plus strand): 5'-TTTACATTTACGTGGGAGTAGCCGACACTTTGCTTGCTATGGGATTCTTCAGAGGTCTAC[CACTGG>AC]TGCATACTCTAATCACAGTGTCGAAAATTTTACACCACAAAATGTTACATTCTGTTCTTC-3'